The following is an entry in ClinVar:

NM_000545.8(HNF1A):c.1774T>C (p.Ser592Pro)

Genes: C12orf43 (chromosome 12 open reading frame 43; minus strand), HNF1A (HNF1 homeobox A; plus strand). Cytogenetic location: 12q24.31.
Variant type: single nucleotide variant.
Coding change: c.1774T>C on transcript NM_000545.8 (MANE Select); coding-DNA position 1774, T replaced by C.
Protein change: p.Ser592Pro; replaces serine 592 with proline.
Molecular consequence: missense variant. On other transcripts: 3 prime UTR variant (3).
Genome position (GRCh38, 1-based): chr12:121,001,070, T>C. VCF-style: chr12-121001070-T-C. GRCh37 (hg19) VCF-style: chr12-121438873-T-C.
Other names: c.*3083A>G (NM_001286191.2, NM_001286196.2, NM_022895.3); c.1795T>C, p.Ser599Pro (NM_001306179.2); c.1582T>C, p.Ser528Pro (NM_001406915.1); short protein forms S592P, S599P, S528P.
Identifiers: ClinVar variation 1436525 (VCV001436525.9), dbSNP rs1352126690, ClinGen allele CA386940962.

ClinVar aggregate classification (germline): Uncertain significance. Review status: criteria provided, multiple submitters, no conflicts (2 of 4 stars). 2 submissions from 2 submitters: Uncertain significance (2). Last evaluated 2024-03-02.

Conditions:
Type 2 diabetes mellitus. Also called: Type II diabetes mellitus. Identifiers: MedGen C0011860, MeSH D003924, MONDO:0005148, OMIM 125853, HP:0005978.
Maturity-onset diabetes of the young type 3. Also called: MODY, type III; MODY type 3. Identifiers: Orphanet 552, MedGen C1838100, MeSH C563933, MONDO:0010894, OMIM 600496. Disease mechanism: loss of function.
Hepatic adenomas, familial. Also called: LIVER CELL ADENOMAS, FAMILIAL; HEPATIC ADENOMA, SOMATIC. Identifiers: MedGen C1840646, MONDO:0007718, OMIM 142330.
Diabetes mellitus type 1 (T1D). Also called: Diabetes Mellitus, Juvenile-Onset; Type I diabetes mellitus. Identifiers: MedGen C0011854, MONDO:0005147, OMIM 222100, HP:0100651.
Nonpapillary renal cell carcinoma. Identifiers: Orphanet 422526, MedGen CN074294, MONDO:0007763, OMIM 144700.
Type 1 diabetes mellitus 20 (T1D20). Also called: Diabetes mellitus, insulin-dependent, 20. Identifiers: MedGen C2675866, MONDO:0012919, OMIM 612520.

Allele frequency attached by ClinVar (database versions not stated): gnomAD exomes below 0.00001 and 0.00001; TOPMed 0.00001; gnomAD 0.00002.
gnomAD v4.1: 10 of 1,613,246 alleles (0.00062%); highest among the groups gnomAD compares: Non-Finnish European, 0.00076%; no homozygotes.

Submissions (2):

Fulgent Genetics
Classification: Uncertain significance for Type 2 diabetes mellitus; Hepatic adenomas, familial; Nonpapillary renal cell carcinoma; Diabetes mellitus type 1; Maturity-onset diabetes of the young type 3; Type 1 diabetes mellitus 20. Last evaluated: 2024-03-02. Review status: criteria provided, single submitter. Criteria: ACMG Guidelines, 2015. Collection method: clinical testing. Allele origin: germline.

Labcorp Genetics (formerly Invitae), Labcorp
Classification: Uncertain significance. Last evaluated: 2021-03-08. Review status: criteria provided, single submitter. Criteria: Invitae Variant Classification Sherloc (09022015). Collection method: clinical testing. Allele origin: germline.
Comment: This variant has not been reported in the literature in individuals with HNF1A-related conditions. This variant is not present in population databases (ExAC no frequency). This sequence change replaces serine with proline at codon 592 of the HNF1A protein (p.Ser592Pro). The serine residue is moderately conserved and there is a moderate physicochemical difference between serine and proline. Advanced modeling of protein sequence and biophysical properties (such as structural, functional, and spatial information, amino acid conservation, physicochemical variation, residue mobility, and thermodynamic stability) performed at Invitae indicates that this missense variant is expected to disrupt HNF1A protein function. In summary, the available evidence is currently insufficient to determine the role of this variant in disease. Therefore, it has been classified as a Variant of Uncertain Significance.